The following is an entry in ClinVar:

NM_006623.4(PHGDH):c.1567C>T (p.Gln523Ter)

Gene: PHGDH (phosphoglycerate dehydrogenase; plus strand). Cytogenetic location: 1p12.
Variant type: single nucleotide variant.
Coding change: c.1567C>T on transcript NM_006623.4 (MANE Select); coding-DNA position 1567, C replaced by T.
Protein change: p.Gln523Ter; replaces glutamine 523 with a stop codon.
Molecular consequence: nonsense.
Genome position (GRCh38, 1-based): chr1:119,744,005, C>T. VCF-style: chr1-119744005-C-T. GRCh37 (hg19) VCF-style: chr1-120286628-C-T.
Other names: short protein forms Q523*.
Identifiers: ClinVar variation 489372 (VCV000489372.2), dbSNP rs1553238760, ClinGen allele CA341854756.

ClinVar aggregate classification (germline): Likely pathogenic (1 of 4 stars; one submission).

Submission:

GeneDx
Classification: Likely pathogenic. Last evaluated: 2018-01-22. Review status: criteria provided, single submitter. Criteria: GeneDx Variant Classification (06012015). Collection method: clinical testing. Allele origin: germline. Affected: yes.
Comment: The Q523X variant in the PHGDH gene has not been reported previously as a pathogenic variant nor as a benign variant, to our knowledge. This variant is predicted to cause loss of normal protein function through protein truncation. The Q523X variant is not observed in large population cohorts (Lek et al., 2016). We interpret Q523X as a likely pathogenic variant.